The following is an entry in ClinVar:

ClinVar aggregate classification (germline): Uncertain significance (1 of 4 stars; one submission).

Conditions:
Peroxisome biogenesis disorder 11A (Zellweger). Also called: Peroxisome biogenesis disorder 11A. Identifiers: Orphanet 912, MedGen C3554000, MONDO:0013949, OMIM 614883.

Allele frequency attached by ClinVar (database versions not stated): gnomAD exomes below 0.00001; TOPMed 0.00002; gnomAD 0.00003.
gnomAD v4.1: 7 of 1,614,052 alleles (0.00043%); highest among the groups gnomAD compares: African/African-American, 0.0067%; no homozygotes.

Submission:

Labcorp Genetics (formerly Invitae), Labcorp
Classification: Uncertain significance for Peroxisome biogenesis disorder 11A (Zellweger). Last evaluated: 2022-10-25. Review status: criteria provided, single submitter. Criteria: Invitae Variant Classification Sherloc (09022015). Collection method: clinical testing. Allele origin: germline.
Comment: This sequence change replaces tyrosine, which is neutral and polar, with cysteine, which is neutral and slightly polar, at codon 85 of the PEX13 protein (p.Tyr85Cys). This variant is not present in population databases (gnomAD no frequency). This variant has not been reported in the literature in individuals affected with PEX13-related conditions. Advanced modeling of protein sequence and biophysical properties (such as structural, functional, and spatial information, amino acid conservation, physicochemical variation, residue mobility, and thermodynamic stability) performed at Invitae indicates that this missense variant is expected to disrupt PEX13 protein function. In summary, the available evidence is currently insufficient to determine the role of this variant in disease. Therefore, it has been classified as a Variant of Uncertain Significance.

NM_002618.4(PEX13):c.254A>G (p.Tyr85Cys)

Gene: PEX13 (peroxisomal biogenesis factor 13; plus strand). Cytogenetic location: 2p15.
Variant type: single nucleotide variant.
Coding change: c.254A>G on transcript NM_002618.4 (MANE Select); coding-DNA position 254, A replaced by G.
Protein change: p.Tyr85Cys; replaces tyrosine 85 with cysteine.
Molecular consequence: missense variant.
Genome position (GRCh38, 1-based): chr2:61,031,580, A>G. VCF-style: chr2-61031580-A-G. GRCh37 (hg19) VCF-style: chr2-61258715-A-G.
Other names: short protein forms Y85C.
Identifiers: ClinVar variation 2421218 (VCV002421218.3), dbSNP rs1452161709, ClinGen allele CA346941769.